The following is an entry in ClinVar:

ClinVar aggregate classification (germline): Uncertain significance (1 of 4 stars; one submission).

Allele frequency attached by ClinVar (database versions not stated): gnomAD 0.00002.
gnomAD v4.1: 8 of 1,612,978 alleles (0.0005%); highest among the groups gnomAD compares: Admixed American, 0.005%; no homozygotes.

Submission:

Labcorp Genetics (formerly Invitae), Labcorp
Classification: Uncertain significance. Last evaluated: 2021-11-04. Review status: criteria provided, single submitter. Criteria: Invitae Variant Classification Sherloc (09022015). Collection method: clinical testing. Allele origin: germline.
Comment: This sequence change replaces proline, which is neutral and non-polar, with leucine, which is neutral and non-polar, at codon 3378 of the USH2A protein (p.Pro3378Leu). This variant is not present in population databases (gnomAD no frequency). This variant has not been reported in the literature in individuals affected with USH2A-related conditions. Algorithms developed to predict the effect of missense changes on protein structure and function (SIFT, PolyPhen-2, Align-GVGD) all suggest that this variant is likely to be disruptive. In summary, the available evidence is currently insufficient to determine the role of this variant in disease. Therefore, it has been classified as a Variant of Uncertain Significance.

NM_206933.4(USH2A):c.10133C>T (p.Pro3378Leu)

Gene: USH2A (usherin; minus strand). Cytogenetic location: 1q41.
Variant type: single nucleotide variant.
Coding change: c.10133C>T on transcript NM_206933.4 (MANE Select); coding-DNA position 10133, C replaced by T.
Protein change: p.Pro3378Leu; replaces proline 3378 with leucine.
Molecular consequence: missense variant.
Genome position (GRCh38, 1-based): chr1:215,790,108, G>A on the plus strand (C>T on the coding strand, the complement: USH2A is on the minus strand). VCF-style: chr1-215790108-G-A. GRCh37 (hg19) VCF-style: chr1-215963450-G-A.
Other names: short protein forms P3378L.
Identifiers: ClinVar variation 1424642 (VCV001424642.3), dbSNP rs1253377260, ClinGen allele CA344843514.